The following is an entry in ClinVar:

NC_000023.11:g.38269723T>A

Gene: RPGR (retinitis pigmentosa GTPase regulator; minus strand). Cytogenetic location: Xp11.4.
Variant type: single nucleotide variant.
Molecular consequence: missense variant (on NM_000328.3). On other transcripts: non-coding transcript variant (6).
Genome position: GRCh38 VCF-style: chrX-38269723-T-A. GRCh37 (hg19) VCF-style: chrX-38128976-T-A.
Other names: c.2351A>T, p.Asp784Val (NM_000328.3); c.2348A>T, p.Asp783Val (NM_001367245.1); c.2165A>T, p.Asp722Val (NM_001367246.1); c.2018A>T, p.Asp673Val (NM_001367247.1); c.2048A>T, p.Asp683Val (NM_001367248.1); c.2015A>T, p.Asp672Val (NM_001367249.1, NM_001367250.1); c.1832A>T, p.Asp611Val (NM_001367251.1); short protein forms D673V, D784V, D611V, D672V, D683V, D722V, D783V.
Identifiers: ClinVar variation 4765495 (VCV004765495.1).

ClinVar aggregate classification (germline): Uncertain significance (1 of 4 stars; one submission).

Conditions:
Primary ciliary dyskinesia. Also called: Ciliary dyskinesia. Identifiers: Orphanet 244, MedGen C0008780, MONDO:0016575, HP:0012265.

Submission:

Labcorp Genetics (formerly Invitae), Labcorp
Classification: Uncertain significance for Primary ciliary dyskinesia. Last evaluated: 2025-07-02. Review status: criteria provided, single submitter. Criteria: Invitae Variant Classification Sherloc (09022015). Collection method: clinical testing. Allele origin: germline.
Comment: This sequence change replaces aspartic acid, which is acidic and polar, with valine, which is neutral and non-polar, at codon 784 of the RPGR protein (p.Asp784Val). This variant is not present in population databases (gnomAD no frequency). This variant has not been reported in the literature in individuals affected with RPGR-related conditions. Invitae Evidence Modeling of protein sequence and biophysical properties (such as structural, functional, and spatial information, amino acid conservation, physicochemical variation, residue mobility, and thermodynamic stability) indicates that this missense variant is not expected to disrupt RPGR protein function with a negative predictive value of 95%. In summary, the available evidence is currently insufficient to determine the role of this variant in disease. Therefore, it has been classified as a Variant of Uncertain Significance.